The following is an entry in ClinVar:

ClinVar aggregate classification (germline): Uncertain significance. Review status: criteria provided, multiple submitters, no conflicts (2 of 4 stars). 10 submissions from 8 submitters: Uncertain significance (10). Last evaluated 2025-07-23.

Conditions:
Cardiovascular phenotype. Identifiers: MedGen CN230736.
Cardiomyopathy (CMYO). Also called: Cardiomyopathies. Identifiers: Orphanet 167848, MedGen C0878544, MONDO:0004994, HP:0001638. Inheritance: Various modes of inheritance.
Hypertrophic cardiomyopathy 2. Also called: TNNT2-Related Familial Hypertrophic Cardiomyopathy. Identifiers: MedGen C1861864, MONDO:0007266, OMIM 115195.
Dilated cardiomyopathy 1D. Identifiers: Orphanet 154, Orphanet 54260, MedGen C1832243, MONDO:0011095, OMIM 601494.
Cardiomyopathy, familial restrictive, 3. Identifiers: Orphanet 75249, MedGen C2676271, MONDO:0012900, OMIM 612422.

Allele frequency attached by ClinVar (database versions not stated): gnomAD exomes below 0.00001 and 0.00001; gnomAD 0.00003 and 0.00004; TOPMed below 0.00001.
gnomAD v4.1: 18 of 1,613,732 alleles (0.0011%); highest among the groups gnomAD compares: Non-Finnish European, 0.0014%; no homozygotes.

Submissions (10):

Ambry Genetics
Classification: Uncertain significance for Cardiovascular phenotype. Last evaluated: 2025-07-23. Review status: criteria provided, single submitter. Criteria: Ambry Variant Classification Scheme 2023. Collection method: clinical testing. Allele origin: germline.
Comment: The c.780+5G>A intronic variant results from a G to A substitution 5 nucleotides after coding exon 13 in the TNNT2 gene. This variant was reported in an individual with left ventricular hypertrabeculation and an individual with sporadic hypertrophic cardiomyopathy (Miszalski-Jamka K et al. Circ Cardiovasc Genet, 2017 Aug;10:; Lenarduzzi S et al. Mol Genet Genomic Med, 2023 May;11:e2143). This nucleotide position is highly conserved in available vertebrate species. In silico splice site analysis predicts that this alteration may weaken the native splice donor site. Based on the available evidence, the clinical significance of this variant remains unclear.

Color Diagnostics, LLC DBA Color Health
Classification: Uncertain significance for Cardiomyopathy. Last evaluated: 2025-05-12. Review status: criteria provided, single submitter. Criteria: ACMG Guidelines, 2015. Collection method: clinical testing. Allele origin: germline.
Comment: This variant causes a G to A nucleotide substitution at the +5 position of intron 14 of the TNNT2 gene. Splice site prediction tools predict that this variant may have a significant impact on RNA splicing. To our knowledge, RNA studies have not been performed for this variant and this variant's impact on the TNNT2 gene function remains unknown. This variant has been reported in an individual affected with left ventricular hypertrabeculation (PMID: 28798025). This variant has been identified in 7/282664 chromosomes in the general population by the Genome Aggregation Database (gnomAD). The available evidence is insufficient to determine the role of this variant in disease conclusively. Therefore, this variant is classified as a Variant of Uncertain Significance.

All of Us Research Program, National Institutes of Health
Classification: Uncertain significance for Cardiomyopathy. Last evaluated: 2023-05-31. Review status: criteria provided, single submitter. Criteria: ACMG Guidelines, 2015. Collection method: clinical testing. Allele origin: germline. Inheritance: Autosomal dominant inheritance. Observed: 1 variant allele, 1 heterozygote.
Comment: This study involves interpretation of variants in research participants for the purpose of population health screening. Participant phenotype was not available at the time of variant classification. Additional details can be found in publication PMID: 35346344, PMCID: PMC8962531

Genome-Nilou Lab
Classification: Uncertain significance for Dilated cardiomyopathy 1D. Last evaluated: 2023-04-11. Review status: criteria provided, single submitter. Criteria: ACMG Guidelines, 2015. Collection method: clinical testing. Allele origin: germline. Affected: no.

Genome-Nilou Lab
Classification: Uncertain significance for Cardiomyopathy, familial restrictive, 3. Last evaluated: 2023-04-11. Review status: criteria provided, single submitter. Criteria: ACMG Guidelines, 2015. Collection method: clinical testing. Allele origin: germline. Affected: no.

Genome-Nilou Lab
Classification: Uncertain significance for Hypertrophic cardiomyopathy 2. Last evaluated: 2023-04-11. Review status: criteria provided, single submitter. Criteria: ACMG Guidelines, 2015. Collection method: clinical testing. Allele origin: germline. Affected: no.

Labcorp Genetics (formerly Invitae), Labcorp
Classification: Uncertain significance for Cardiomyopathy, familial restrictive, 3; Hypertrophic cardiomyopathy 2; Dilated cardiomyopathy 1D. Last evaluated: 2022-12-06. Review status: criteria provided, single submitter. Criteria: Invitae Variant Classification Sherloc (09022015). Collection method: clinical testing. Allele origin: germline.
Comment: In summary, the available evidence is currently insufficient to determine the role of this variant in disease. Therefore, it has been classified as a Variant of Uncertain Significance. Variants that disrupt the consensus splice site are a relatively common cause of aberrant splicing (PMID: 17576681, 9536098). Algorithms developed to predict the effect of sequence changes on RNA splicing suggest that this variant may disrupt the consensus splice site. ClinVar contains an entry for this variant (Variation ID: 181633). This variant is also known as g.201330402C>T. This variant has been observed in individual(s) with TNNT2-related conditions (PMID: 28798025). This variant is present in population databases (rs730881113, gnomAD 0.04%), and has an allele count higher than expected for a pathogenic variant. This sequence change falls in intron 14 of the TNNT2 gene. It does not directly change the encoded amino acid sequence of the TNNT2 protein. It affects a nucleotide within the consensus splice site.

Fulgent Genetics
Classification: Uncertain significance for Hypertrophic cardiomyopathy 2; Dilated cardiomyopathy 1D; Cardiomyopathy, familial restrictive, 3. Last evaluated: 2022-01-30. Review status: criteria provided, single submitter. Criteria: ACMG Guidelines, 2015. Collection method: clinical testing. Allele origin: unknown.

GeneDx
Classification: Uncertain significance. Last evaluated: 2021-06-28. Review status: criteria provided, single submitter. Criteria: GeneDx Variant Classification Process June 2021. Collection method: clinical testing. Allele origin: germline. Affected: yes.
Comment: Identified in a patient with left ventricular hypertrabeculation (LVHT) in the published literature (Miszalski-Jamka et al., 2017); In silico analysis supports a deleterious effect on splicing; This variant is associated with the following publications: (PMID: 28798025, 26582918, 27535533)

CHEO Genetics Diagnostic Laboratory, Children's Hospital of Eastern Ontario
Classification: Uncertain significance for Cardiomyopathy. Last evaluated: 2015-12-23. Review status: criteria provided, single submitter. Criteria: ACMG Guidelines, 2015. Collection method: clinical testing. Allele origin: germline. Study: Canadian Open Genetics Repository.

Literature cited by the submitters: PubMed 28798025 (cited by 3 submitters); PubMed 36788754 (cited by Ambry Genetics); PubMed 17576681 (cited by Labcorp Genetics (formerly Invitae), Labcorp); PubMed 9536098 (cited by Labcorp Genetics (formerly Invitae), Labcorp).

NM_001276345.2(TNNT2):c.810+5G>A

Gene: TNNT2 (troponin T2, cardiac type; minus strand). Cytogenetic location: 1q32.1.
Variant type: single nucleotide variant.
Coding change: c.810+5G>A on transcript NM_001276345.2 (MANE Select); 5 bases into the intron after coding-DNA position 810, G replaced by A.
Molecular consequence: intron variant.
Genome position (GRCh38, 1-based): chr1:201,361,274, C>T on the plus strand (G>A on the coding strand, the complement: TNNT2 is on the minus strand). VCF-style: chr1-201361274-C-T. GRCh37 (hg19) VCF-style: chr1-201330402-C-T.
Other names: c.762+5G>A (NM_001001432.3); c.771+5G>A (NM_001001431.3); c.780+5G>A (NM_001001430.3, NM_001276347.2); c.681+5G>A (NM_001276346.2); c.801+5G>A (NM_000364.4).
Identifiers: ClinVar variation 181633 (VCV000181633.23), dbSNP rs730881113, ClinGen allele CA005120.